The following is an entry in ClinVar:

NM_005902.4(SMAD3):c.540del (p.Pro182fs)

Gene: SMAD3 (SMAD family member 3; plus strand). Cytogenetic location: 15q22.33.
Variant type: Deletion.
Coding change: c.540del on transcript NM_005902.4 (MANE Select); coding-DNA position 540, one base deleted (A; older notation c.540delA).
Protein change: p.Pro182fs; shifts the reading frame from proline 182.
Molecular consequence: frameshift variant. On other transcripts: 5 prime UTR variant (2).
Genome position (GRCh38, 1-based): chr15:67,166,786, A deleted. VCF-style (leftmost placement, unchanged base first): chr15-67166785-CA-C. GRCh37 (hg19) VCF-style: chr15-67459123-CA-C.
Other names: c.225del, p.Pro77fs (NM_001145102.2, NM_001407016.1); c.408del, p.Pro138fs (NM_001145103.2, NM_001407012.1); c.-46del (NM_001145104.2, NM_001407017.1); c.540del, p.Pro182fs (NM_001407011.1, NM_001407013.1); c.393del, p.Pro133fs (NM_001407014.1); c.93del, p.Pro33fs (NM_001407015.1); short protein forms P133fs, P138fs, P182fs, P33fs, P77fs.
Identifiers: ClinVar variation 2631401 (VCV002631401.1), dbSNP rs2505222600, ClinGen allele CA2629118731.

ClinVar aggregate classification (germline): Likely pathogenic (1 of 4 stars; one submission).

Conditions:
SMAD3-related disorder. Also called: SMAD3-related condition.

Allele frequency attached by ClinVar (database versions not stated): gnomAD exomes below 0.00001.

Submission:

PreventionGenetics, part of Exact Sciences
Classification: Likely pathogenic for SMAD3-related condition. Last evaluated: 2023-07-14. Review status: criteria provided, single submitter. Criteria: ACMG Guidelines, 2015. Collection method: clinical testing. Allele origin: germline.
Comment: The SMAD3 c.540delA variant is predicted to result in a frameshift and premature protein termination (p.Pro182Leufs*4). To our knowledge, this variant has not been reported in the literature or in a large population database, indicating this variant is rare. Frameshift variants in SMAD3 are expected to be pathogenic. This variant is interpreted as likely pathogenic.